The following is an entry in ClinVar:

ClinVar aggregate classification (germline): Uncertain significance (1 of 4 stars; one submission).

Conditions:
Inborn genetic diseases. Identifiers: MedGen C0950123, MeSH D030342.

Submission:

Ambry Genetics
Classification: Uncertain significance for Inborn genetic diseases. Last evaluated: 2024-03-18. Review status: criteria provided, single submitter. Criteria: Ambry Variant Classification Scheme 2023. Collection method: clinical testing. Allele origin: germline.
Comment: The p.E813D variant (also known as c.2439A>C), located in coding exon 19 of the BUB1B gene, results from an A to C substitution at nucleotide position 2439. The glutamic acid at codon 813 is replaced by aspartic acid, an amino acid with highly similar properties. This amino acid position is conserved. In addition, this alteration is predicted to be tolerated by in silico analysis. Based on the available evidence, the clinical significance of this alteration remains unclear.

NM_001211.6(BUB1B):c.2439A>C (p.Glu813Asp)

Gene: BUB1B (BUB1 mitotic checkpoint serine/threonine kinase B; plus strand). Cytogenetic location: 15q15.1.
Variant type: single nucleotide variant.
Coding change: c.2439A>C on transcript NM_001211.6 (MANE Select); coding-DNA position 2439, A replaced by C.
Protein change: p.Glu813Asp; replaces glutamic acid 813 with aspartic acid.
Molecular consequence: missense variant.
Genome position (GRCh38, 1-based): chr15:40,212,552, A>C. VCF-style: chr15-40212552-A-C. GRCh37 (hg19) VCF-style: chr15-40504753-A-C.
Other names: short protein forms E813D.
Identifiers: ClinVar variation 3262217 (VCV003262217.1).